The following is an entry in ClinVar:

ClinVar aggregate classification (germline): Pathogenic/Likely pathogenic. Review status: criteria provided, multiple submitters, no conflicts (2 of 4 stars). 6 submissions from 6 submitters: Pathogenic (2); Likely pathogenic (2). 2 of the submissions do not count toward it. Last evaluated 2025-04-07.

Conditions:
NEB-related disorder. Also called: NEB-related condition; NEB-Related Disorders.
Arthrogryposis multiplex congenita 6. Identifiers: MedGen C5543431, MONDO:0030281, OMIM 619334.
Nemaline myopathy. Also called: Myopathies, Nemaline. Identifiers: Orphanet 607, MedGen C0206157, MONDO:0018958.
Nemaline myopathy 2 (NEM2). Also called: Nemaline myopathy 2, autosomal recessive. Identifiers: MedGen C1850569, MONDO:0009725, OMIM 256030.

Allele frequency attached by ClinVar (database versions not stated): gnomAD exomes 0.00001; ExAC 0.00002.
gnomAD v4.1: 7 of 1,600,646 alleles (0.00044%); highest among the groups gnomAD compares: South Asian, 0.0011%; no homozygotes.

Submissions (6):

Labcorp Genetics (formerly Invitae), Labcorp
Classification: Pathogenic for Nemaline myopathy 2. Last evaluated: 2025-04-07. Review status: criteria provided, single submitter. Criteria: Invitae Variant Classification Sherloc (09022015). Collection method: clinical testing. Allele origin: germline.
Comment: This sequence change falls in intron 45 of the NEB gene. It does not directly change the encoded amino acid sequence of the NEB protein. It affects a nucleotide within the consensus splice site. This variant is present in population databases (rs776167256, gnomAD 0.003%). This variant has been observed in individual(s) with clinical features of nemaline myopathy (PMID: 25205138, 28424332; internal data). In at least one individual the data is consistent with being in trans (on the opposite chromosome) from a pathogenic variant. This variant is also known as chr2:152520057C>T . ClinVar contains an entry for this variant (Variation ID: 552335). Variants that disrupt the consensus splice site are a relatively common cause of aberrant splicing (PMID: 17576681, 9536098). Algorithms developed to predict the effect of sequence changes on RNA splicing suggest that this variant may disrupt the consensus splice site. For these reasons, this variant has been classified as Pathogenic.

Broad Center for Mendelian Genomics, Broad Institute of MIT and Harvard
Classification: Likely pathogenic for Nemaline myopathy. Last evaluated: 2025-03-18. Review status: criteria provided, single submitter. Criteria: ACMG Guidelines, 2015. Collection method: curation. Allele origin: germline. Inheritance: Autosomal recessive inheritance.
Comment: The c.5763+5G>A variant in NEB has been reported, in the compound heterozygous state, in one individual with nemaline myopathy (PMID: 25205138, 28424332), and has been identified in 0.002% (1/85046) of South Asian chromosomes by the Genome Aggregation Database (gnomAD; dbSNP ID: rs776167256). Although this variant has been seen in the general population in a heterozygous state, its frequency is low enough to be consistent with a recessive carrier frequency. This variant has also been reported in ClinVar (Variation ID: 552335) and has been interpreted as pathogenic by Invitae and as a variant of uncertain significance by Counsyl. This variant is located in the 3‚Äô splice region. Computational tools do suggest an impact to splicing. However, this information is not predictive enough to determine pathogenicity. RNAseq analysis performed on affected tissue shows evidence of intron retention after exon 45 (PMID: 28424332). Loss of function of the NEB gene is an established disease mechanism in autosomal recessive nemaline myopathy. In summary, although additional studies are required to fully establish its clinical significance, this variant is likely pathogenic for autosomal recessive nemaline myopathy. ACMG/AMP Criteria applied: PM3, PVS1_strong, PM2_supporting (Richards 2015).

Greenwood Genetic Center Diagnostic Laboratories, Greenwood Genetic Center
Classification: Pathogenic for NEB-related disorder. Last evaluated: 2024-04-10. Review status: criteria provided, single submitter. Criteria: ACMG Guidelines, 2015. Collection method: clinical testing. Allele origin: germline. Affected: yes.
Comment: PVS1, PM2, PM3

Baylor Genetics
Classification: Likely pathogenic for Arthrogryposis multiplex congenita 6. Last evaluated: 2024-03-04. Review status: criteria provided, single submitter. Criteria: ACMG Guidelines, 2015. Collection method: clinical testing. Allele origin: unknown.

PreventionGenetics, part of Exact Sciences
Classification: Uncertain significance for NEB-related condition. Last evaluated: 2024-07-25. Review status: no assertion criteria provided. Collection method: clinical testing. Allele origin: germline. Not counted in ClinVar's aggregate classification.
Comment: The NEB c.5763+5G>A variant is predicted to interfere with splicing. This variant was reported together with second NEB variant in at least one individual with typical Nemaline myopathy (Table S1C, Lehtokari et al. 2014. PubMed ID: 25205138; patient E2, Table 1, Cummings et al. 2017. PubMed ID: 28424332). This variant is predicted to alter splicing based on available splicing prediction software (SpliceAI, Jaganathan et al. 2019. PubMed ID: 30661751). However, the use of computer prediction softwares is not equivalent to functional evidence. This variant is reported in 0.0034% of alleles in individuals of South Asian descent in gnomAD. Although we suspect that this variant may be pathogenic, at this time, the clinical significance of this variant is uncertain due to the absence of conclusive functional and genetic evidence.

Counsyl
Classification: Uncertain significance for Nemaline myopathy 2. Last evaluated: 2017-06-07. Review status: no assertion criteria provided. Collection method: clinical testing. Allele origin: unknown. Not counted in ClinVar's aggregate classification.

Literature cited by the submitters: PubMed 25205138 (cited by Labcorp Genetics (formerly Invitae), Labcorp and Counsyl); PubMed 28424332 (cited by Labcorp Genetics (formerly Invitae), Labcorp); PubMed 17576681 (cited by Labcorp Genetics (formerly Invitae), Labcorp); PubMed 9536098 (cited by Labcorp Genetics (formerly Invitae), Labcorp).

NM_001164508.2(NEB):c.5763+5G>A

Gene: NEB (nebulin; minus strand). Cytogenetic location: 2q23.3.
Variant type: single nucleotide variant.
Coding change: c.5763+5G>A on transcript NM_001164508.2 (MANE Select); 5 bases into the intron after coding-DNA position 5763, G replaced by A.
Molecular consequence: intron variant.
Genome position (GRCh38, 1-based): chr2:151,663,543, C>T on the plus strand (G>A on the coding strand, the complement: NEB is on the minus strand). VCF-style: chr2-151663543-C-T. GRCh37 (hg19) VCF-style: chr2-152520057-C-T.
Other names: c.5763+5G>A (NM_004543.5, NM_001164507.2, NM_001271208.2).
Identifiers: ClinVar variation 552335 (VCV000552335.14), dbSNP rs776167256, ClinGen allele CA1910287.